The following is an entry in ClinVar:

NM_001378183.1(PIEZO2):c.7758A>G (p.Ile2586Met)

Gene: PIEZO2 (piezo type mechanosensitive ion channel component 2; minus strand). Cytogenetic location: 18p11.22.
Variant type: single nucleotide variant.
Coding change: c.7758A>G on transcript NM_001378183.1 (MANE Select); coding-DNA position 7758, A replaced by G.
Protein change: p.Ile2586Met; replaces isoleucine 2586 with methionine.
Molecular consequence: missense variant.
Genome position (GRCh38, 1-based): chr18:10,681,682, T>C on the plus strand (A>G on the coding strand, the complement: PIEZO2 is on the minus strand). VCF-style: chr18-10681682-T-C. GRCh37 (hg19) VCF-style: chr18-10681679-T-C.
Other names: c.7419A>G, p.Ile2473Met (NM_022068.4); c.7419A>G (NM_022068.2); short protein forms I2586M, I2473M.
Identifiers: ClinVar variation 1363435 (VCV001363435.7), dbSNP rs143299649, ClinGen allele CA8891915.

ClinVar aggregate classification (germline): Uncertain significance. Review status: criteria provided, multiple submitters, no conflicts (2 of 4 stars). 2 submissions from 2 submitters: Uncertain significance (2). Last evaluated 2025-02-18.

Conditions:
Inborn genetic diseases. Identifiers: MedGen C0950123, MeSH D030342.

Allele frequency attached by ClinVar (database versions not stated): ExAC 0.00004; gnomAD exomes 0.00004 and 0.00016; TOPMed 0.00009; gnomAD 0.00010; ESP Exome Variant Server 0.00023.
gnomAD v4.1: 247 of 1,605,140 alleles (0.015%); highest among the groups gnomAD compares: Non-Finnish European, 0.02%; no homozygotes.

Submissions (2):

Ambry Genetics
Classification: Uncertain significance for Inborn genetic diseases. Last evaluated: 2025-02-18. Review status: criteria provided, single submitter. Criteria: Ambry Variant Classification Scheme 2023. Collection method: clinical testing. Allele origin: germline.

Labcorp Genetics (formerly Invitae), Labcorp
Classification: Uncertain significance. Last evaluated: 2024-07-19. Review status: criteria provided, single submitter. Criteria: Invitae Variant Classification Sherloc (09022015). Collection method: clinical testing. Allele origin: germline.
Comment: This sequence change replaces isoleucine, which is neutral and non-polar, with methionine, which is neutral and non-polar, at codon 2473 of the PIEZO2 protein (p.Ile2473Met). This variant is present in population databases (rs143299649, gnomAD 0.009%). This variant has not been reported in the literature in individuals affected with PIEZO2-related conditions. ClinVar contains an entry for this variant (Variation ID: 1363435). Advanced modeling of protein sequence and biophysical properties (such as structural, functional, and spatial information, amino acid conservation, physicochemical variation, residue mobility, and thermodynamic stability) performed at Invitae indicates that this missense variant is not expected to disrupt PIEZO2 protein function with a negative predictive value of 80%. In summary, the available evidence is currently insufficient to determine the role of this variant in disease. Therefore, it has been classified as a Variant of Uncertain Significance.